The following is an entry in ClinVar:

NM_000548.5(TSC2):c.4112C>G (p.Ser1371Cys)

Gene: TSC2 (TSC complex subunit 2; plus strand). Cytogenetic location: 16p13.3.
Variant type: single nucleotide variant.
Coding change: c.4112C>G on transcript NM_000548.5 (MANE Select); coding-DNA position 4112, C replaced by G.
Protein change: p.Ser1371Cys; replaces serine 1371 with cysteine.
Molecular consequence: missense variant.
Genome position (GRCh38, 1-based): chr16:2,084,334, C>G. VCF-style: chr16-2084334-C-G. GRCh37 (hg19) VCF-style: chr16-2134335-C-G.
Other names: c.3911C>G, p.Ser1304Cys (NM_001077183.3); c.4043C>G, p.Ser1348Cys (NM_001114382.3); c.3803C>G, p.Ser1268Cys (NM_001318827.2); c.3767C>G, p.Ser1256Cys (NM_001318829.2); c.3380C>G, p.Ser1127Cys (NM_001318831.2); c.3944C>G, p.Ser1315Cys (NM_001318832.2); c.3914C>G, p.Ser1305Cys (NM_001363528.2); c.3980C>G, p.Ser1327Cys (NM_001370404.1); and 1 more; short protein forms S1371C, S1268C, S1305C, S1256C, S1327C, S1348C, S1127C, S1304C.
Identifiers: ClinVar variation 405994 (VCV000405994.9), dbSNP rs1060500929, ClinGen allele CA16615151.

ClinVar aggregate classification (germline): Uncertain significance. Review status: criteria provided, multiple submitters, no conflicts (2 of 4 stars). 2 submissions from 2 submitters: Uncertain significance (2). Last evaluated 2025-01-22.

Conditions:
Hereditary cancer-predisposing syndrome. Also called: Tumor predisposition; Neoplastic Syndromes, Hereditary; Hereditary Cancer Syndrome; Hereditary neoplastic syndrome. Identifiers: Orphanet 140162, MedGen C0027672, MeSH D009386, MONDO:0015356.
Tuberous sclerosis 2 (TSC2). Identifiers: Orphanet 805, MedGen C1860707, MONDO:0013199, OMIM 613254.

Submissions (2):

Ambry Genetics
Classification: Uncertain significance for Hereditary cancer-predisposing syndrome. Last evaluated: 2025-01-22. Review status: criteria provided, single submitter. Criteria: Ambry Variant Classification Scheme 2023. Collection method: clinical testing. Allele origin: germline.
Comment: The p.S1371C variant (also known as c.4112C>G), located in coding exon 33 of the TSC2 gene, results from a C to G substitution at nucleotide position 4112. The serine at codon 1371 is replaced by cysteine, an amino acid with dissimilar properties. This amino acid position is conserved. In addition, the in silico prediction for this alteration is inconclusive. Based on the available evidence, the clinical significance of this variant remains unclear.

Labcorp Genetics (formerly Invitae), Labcorp
Classification: Uncertain significance for Tuberous sclerosis 2. Last evaluated: 2024-04-25. Review status: criteria provided, single submitter. Criteria: Invitae Variant Classification Sherloc (09022015). Collection method: clinical testing. Allele origin: germline.
Comment: This sequence change replaces serine, which is neutral and polar, with cysteine, which is neutral and slightly polar, at codon 1371 of the TSC2 protein (p.Ser1371Cys). This variant is not present in population databases (gnomAD no frequency). This variant has not been reported in the literature in individuals affected with TSC2-related conditions. ClinVar contains an entry for this variant (Variation ID: 405994). Advanced modeling of protein sequence and biophysical properties (such as structural, functional, and spatial information, amino acid conservation, physicochemical variation, residue mobility, and thermodynamic stability) performed at Invitae indicates that this missense variant is not expected to disrupt TSC2 protein function with a negative predictive value of 95%. In summary, the available evidence is currently insufficient to determine the role of this variant in disease. Therefore, it has been classified as a Variant of Uncertain Significance.